The following is an entry in ClinVar:

ClinVar aggregate classification (germline): Uncertain significance (1 of 4 stars; one submission).

Conditions:
Hereditary cancer-predisposing syndrome. Also called: Tumor predisposition; Hereditary neoplastic syndrome; Hereditary Cancer Syndrome; Neoplastic Syndromes, Hereditary. Identifiers: Orphanet 140162, MedGen C0027672, MeSH D009386, MONDO:0015356.

Submission:

Ambry Genetics
Classification: Uncertain significance for Hereditary cancer-predisposing syndrome. Last evaluated: 2023-12-29. Review status: criteria provided, single submitter. Criteria: Ambry Variant Classification Scheme 2023. Collection method: clinical testing. Allele origin: germline.
Comment: The p.I789V variant (also known as c.2365A>G), located in coding exon 20 of the EGFR gene, results from an A to G substitution at nucleotide position 2365. The isoleucine at codon 789 is replaced by valine, an amino acid with highly similar properties. This amino acid position is conserved. In addition, this alteration is predicted to be tolerated by in silico analysis. Since supporting evidence is limited at this time, the clinical significance of this alteration remains unclear.

NM_005228.5(EGFR):c.2365A>G (p.Ile789Val)

Genes: EGFR-AS1 (EGFR antisense RNA 1; minus strand), EGFR (epidermal growth factor receptor; plus strand). Cytogenetic location: 7p11.2.
Variant type: single nucleotide variant.
Coding change: c.2365A>G on transcript NM_005228.5 (MANE Select); coding-DNA position 2365, A replaced by G.
Protein change: p.Ile789Val; replaces isoleucine 789 with valine.
Molecular consequence: missense variant. On other transcripts: non-coding transcript variant (1).
Genome position (GRCh38, 1-based): chr7:55,181,374, A>G. VCF-style: chr7-55181374-A-G. GRCh37 (hg19) VCF-style: chr7-55249067-A-G.
Other names: c.2230A>G, p.Ile744Val (NM_001346897.2, NM_001346899.2); c.2365A>G, p.Ile789Val (NM_001346898.2); c.2206A>G, p.Ile736Val (NM_001346900.2); c.1564A>G, p.Ile522Val (NM_001346941.2); short protein forms I522V, I736V, I744V, I789V.
Identifiers: ClinVar variation 3224656 (VCV003224656.1), dbSNP rs767674013, ClinGen allele CA367578843.